The following is an entry in ClinVar:

ClinVar aggregate classification (germline): Benign. Review status: criteria provided, multiple submitters, no conflicts (2 of 4 stars). 2 submissions from 2 submitters: Benign (2). Last evaluated 2018-06-20.

Allele frequency attached by ClinVar (database versions not stated): gnomAD exomes 0.03571; gnomAD 0.09987 and 0.10463; TOPMed 0.11029; 1000 Genomes Project 30x 0.13976; 1000 Genomes Project 0.14117.
gnomAD v4.1: 15,975 of 152,300 alleles (10%); highest among the groups gnomAD compares: Admixed American, 27%; 1,342 homozygotes.

Submissions (2):

GeneDx
Classification: Benign. Last evaluated: 2018-06-20. Review status: criteria provided, single submitter. Criteria: GeneDx Variant Classification (06012015). Collection method: clinical testing. Allele origin: germline. Affected: yes.
Comment: This variant is considered likely benign or benign based on one or more of the following criteria: it is a conservative change, it occurs at a poorly conserved position in the protein, it is predicted to be benign by multiple in silico algorithms, and/or has population frequency not consistent with disease.

Breakthrough Genomics
Classification: Benign. Review status: criteria provided, single submitter. Criteria: ACMG Guidelines, 2015. Collection method: not provided. Allele origin: germline. Inheritance: Autosomal dominant inheritance. Affected: yes.

NM_001005373.4(LRSAM1):c.-33+51C>T

Gene: LRSAM1 (leucine rich repeat and sterile alpha motif containing 1; plus strand). Cytogenetic location: 9q33.3.
Variant type: single nucleotide variant.
Coding change: c.-33+51C>T on transcript NM_001005373.4 (MANE Select); 51 bases into the intron after 33 bases upstream of the start codon, C replaced by T.
Molecular consequence: intron variant.
Genome position (GRCh38, 1-based): chr9:127,452,135, C>T. VCF-style: chr9-127452135-C-T. GRCh37 (hg19) VCF-style: chr9-130214414-C-T.
Other names: c.-33+51C>T (NM_138361.5, NM_001384143.1, NM_001190723.3); c.-1050+51C>T (NM_001384142.1); c.-817+51C>T (NM_001384144.1).
Identifiers: ClinVar variation 674025 (VCV000674025.2), dbSNP rs3808831, ClinGen allele CA13118268.